The following is an entry in ClinVar:

NM_013275.6(ANKRD11):c.3233C>T (p.Ala1078Val)

Gene: ANKRD11 (ankyrin repeat domain 11; minus strand). Cytogenetic location: 16q24.3.
Variant type: single nucleotide variant.
Coding change: c.3233C>T on transcript NM_013275.6 (MANE Select); coding-DNA position 3233, C replaced by T.
Protein change: p.Ala1078Val; replaces alanine 1078 with valine.
Molecular consequence: missense variant.
Genome position (GRCh38, 1-based): chr16:89,283,309, G>A on the plus strand (C>T on the coding strand, the complement: ANKRD11 is on the minus strand). VCF-style: chr16-89283309-G-A. GRCh37 (hg19) VCF-style: chr16-89349717-G-A.
Other names: c.3233C>T, p.Ala1078Val (NM_001256182.2, NM_001256183.2); short protein forms A1078V.
Identifiers: ClinVar variation 4746152 (VCV004746152.1).

ClinVar aggregate classification (germline): Uncertain significance (1 of 4 stars; one submission).

Conditions:
KBG syndrome (KBGS). Also called: ANKRD11-Related KBG Syndrome. Identifiers: Orphanet 2332, MedGen C0220687, MONDO:0007846, OMIM 148050.

Submission:

Labcorp Genetics (formerly Invitae), Labcorp
Classification: Uncertain significance for KBG syndrome. Last evaluated: 2025-07-20. Review status: criteria provided, single submitter. Criteria: Invitae Variant Classification Sherloc (09022015). Collection method: clinical testing. Allele origin: germline.
Comment: This sequence change replaces alanine, which is neutral and non-polar, with valine, which is neutral and non-polar, at codon 1078 of the ANKRD11 protein (p.Ala1078Val). This variant is present in population databases (rs753662123, gnomAD 0.004%). This variant has not been reported in the literature in individuals affected with ANKRD11-related conditions. Invitae Evidence Modeling of protein sequence and biophysical properties (such as structural, functional, and spatial information, amino acid conservation, physicochemical variation, residue mobility, and thermodynamic stability) indicates that this missense variant is not expected to disrupt ANKRD11 protein function with a negative predictive value of 95%. In summary, the available evidence is currently insufficient to determine the role of this variant in disease. Therefore, it has been classified as a Variant of Uncertain Significance.